The following is an entry in ClinVar:

NM_006509.4(RELB):c.1208-3C>A

Gene: RELB (RELB proto-oncogene, NF-kB subunit; plus strand). Cytogenetic location: 19q13.32.
Variant type: single nucleotide variant.
Coding change: c.1208-3C>A on transcript NM_006509.4 (MANE Select); 3 bases into the intron before coding-DNA position 1208, C replaced by A.
Molecular consequence: intron variant.
Genome position (GRCh38, 1-based): chr19:45,034,241, C>A. VCF-style: chr19-45034241-C-A. GRCh37 (hg19) VCF-style: chr19-45537499-C-A.
Other names: c.1199-3C>A (NM_001411087.1).
Identifiers: ClinVar variation 2698161 (VCV002698161.3), dbSNP rs768168670, ClinGen allele CA9507783.

ClinVar aggregate classification (germline): Uncertain significance (1 of 4 stars; one submission).

Allele frequency attached by ClinVar (database versions not stated): ExAC 0.00002.
gnomAD v4.1: 17 of 1,612,612 alleles (0.0011%); highest among the groups gnomAD compares: Admixed American, 0.0017%; no homozygotes.

Submission:

Labcorp Genetics (formerly Invitae), Labcorp
Classification: Uncertain significance. Last evaluated: 2024-07-08. Review status: criteria provided, single submitter. Criteria: Invitae Variant Classification Sherloc (09022015). Collection method: clinical testing. Allele origin: germline.
Comment: This sequence change falls in intron 9 of the RELB gene. It does not directly change the encoded amino acid sequence of the RELB protein. It affects a nucleotide within the consensus splice site. This variant is present in population databases (rs768168670, gnomAD 0.006%). This variant has not been reported in the literature in individuals affected with RELB-related conditions. Variants that disrupt the consensus splice site are a relatively common cause of aberrant splicing (PMID: 17576681, 9536098). Algorithms developed to predict the effect of sequence changes on RNA splicing suggest that this variant may create or strengthen a splice site. In summary, the available evidence is currently insufficient to determine the role of this variant in disease. Therefore, it has been classified as a Variant of Uncertain Significance.

Literature cited by the submitters: PubMed 17576681; PubMed 9536098.